The following is an entry in ClinVar:

ClinVar aggregate classification (germline): Pathogenic. Review status: criteria provided, multiple submitters, no conflicts (2 of 4 stars). 7 submissions from 7 submitters: Pathogenic (5). 2 of the submissions do not count toward it. Last evaluated 2026-03-30.

Conditions:
Early-infantile DEE. Also called: Early infantile epileptic encephalopathy with suppression bursts; Early infantile epileptic encephalopathy; Ohtahara syndrome. Identifiers: Orphanet 1934, MedGen C0393706, MONDO:0800491.
Developmental and epileptic encephalopathy 112. Identifiers: MedGen C5882700, MONDO:0957812, OMIM 620537.

gnomAD v4.1: 1 of 1,608,442 alleles (0.000062%); highest among the groups gnomAD compares: Non-Finnish European, 0.000085%; no homozygotes.

Submissions (7):

GeneDx
Classification: Pathogenic. Last evaluated: 2026-03-30. Review status: criteria provided, single submitter. Criteria: GeneDx Variant Classification Process June 2021. Collection method: clinical testing. Allele origin: germline.
Comment: Not observed at significant frequency in large population cohorts (gnomAD); In silico analysis supports that this missense variant has a deleterious effect on protein structure/function; This variant is associated with the following publications: (PMID: 38008000, 36307226)

Greenwood Genetic Center Diagnostic Laboratories, Greenwood Genetic Center
Classification: Pathogenic for Developmental and epileptic encephalopathy 112. Last evaluated: 2025-08-13. Review status: criteria provided, single submitter. Criteria: ACMG Guidelines, 2015. Collection method: clinical testing. Allele origin: germline. Affected: yes.
Comment: PS2_Very Strong, PM1, PM2, PP2, PP3 Path RL

Labcorp Genetics (formerly Invitae), Labcorp
Classification: Pathogenic for Early-infantile DEE. Last evaluated: 2025-04-17. Review status: criteria provided, single submitter. Criteria: Invitae Variant Classification Sherloc (09022015). Collection method: clinical testing. Allele origin: germline.
Comment: This sequence change replaces arginine, which is basic and polar, with histidine, which is basic and polar, at codon 333 of the KCNH5 protein (p.Arg333His). This variant is not present in population databases (gnomAD no frequency). This missense change has been observed in individual(s) with KCNH5-related conditions (internal data). In at least one individual the variant was observed to be de novo. ClinVar contains an entry for this variant (Variation ID: 1042182). Invitae Evidence Modeling of protein sequence and biophysical properties (such as structural, functional, and spatial information, amino acid conservation, physicochemical variation, residue mobility, and thermodynamic stability) indicates that this missense variant is expected to disrupt KCNH5 protein function with a positive predictive value of 95%. For these reasons, this variant has been classified as Pathogenic.

Institute of Human Genetics, University of Leipzig Medical Center
Classification: Pathogenic for Developmental and epileptic encephalopathy 112. Last evaluated: 2024-07-24. Review status: criteria provided, single submitter. Criteria: ACMG Guidelines, 2015. Collection method: clinical testing. Allele origin: unknown. Inheritance: Autosomal dominant inheritance. Affected: yes.
Comment: Criteria applied: PS2_VSTR,PS4_MOD,PM1,PM2_SUP,PP3

Athena Diagnostics
Classification: Pathogenic for Developmental and epileptic encephalopathy 112. Last evaluated: 2024-04-05. Review status: criteria provided, single submitter. Criteria: Athena Diagnostics Criteria. Collection method: clinical testing. Allele origin: germline.
Comment: This variant has not been reported in large, multi-ethnic general populations. This variant has been confirmed to occur de novo in multiple individuals with clinical features associated with this gene (PMID: 36307226, 38008000). These individuals have been on the milder end of the KCNH5 phenotypic spectrum, with drug-responsive self-limited epilepsy, variable mild developmental delay, and normal cognitive ability. PolyPhen and MutationTaster yielded predictions that this amino acid change may be damaging to the protein. No experimental evidence of the functional effect of this variant was found in the literature. However, functional studies on a nearby variant, p.Arg327His, have shown it may play a critical role in channel activation (PMID: 24133262).

OMIM
Classification: Pathogenic for DEVELOPMENTAL AND EPILEPTIC ENCEPHALOPATHY 112. Last evaluated: 2026-04-01. Review status: no assertion criteria provided. Collection method: literature only. Allele origin: germline. Not counted in ClinVar's aggregate classification.

Genetics laboratory, Institute of Kidney Diseases & Research Centre Dr. H.L. Trivedi Institute Of Transplantation Sciences
Classification: Pathogenic for Developmental and epileptic encephalopathy 112. Review status: no assertion criteria provided. Collection method: clinical testing. Allele origin: germline. Inheritance: Autosomal dominant inheritance. Affected: yes. Observed: 1 variant allele, 1 heterozygote. Not counted in ClinVar's aggregate classification.

Literature cited by the submitters: PubMed 36307226 (cited by Athena Diagnostics and OMIM); PubMed 38008000 (cited by Athena Diagnostics).

NM_139318.5(KCNH5):c.998G>A (p.Arg333His)

Gene: KCNH5 (potassium voltage-gated channel subfamily H member 5; minus strand). Cytogenetic location: 14q23.2.
Variant type: single nucleotide variant.
Coding change: c.998G>A on transcript NM_139318.5 (MANE Select); coding-DNA position 998, G replaced by A.
Protein change: p.Arg333His; replaces arginine 333 with histidine.
Molecular consequence: missense variant.
Genome position (GRCh38, 1-based): chr14:62,950,504, C>T on the plus strand (G>A on the coding strand, the complement: KCNH5 is on the minus strand). VCF-style: chr14-62950504-C-T. GRCh37 (hg19) VCF-style: chr14-63417222-C-T.
Other names: c.998G>A, p.Arg333His (NM_172375.3); c.998G>A (NM_139318.4); short protein forms R333H.
Identifiers: ClinVar variation 1042182 (VCV001042182.19), dbSNP rs1383017734, ClinGen allele CA390103486.
Genomic context (GRCh38, chr14:62,950,504, plus strand): 5'-ACCAGGAGCACGAGGACTGCTGCTCCATATTCTAGGTAATGGTCCAGTTTCCTAGCCACA[C>T]GGCCCAGTCGTAAGAGACGCACCACTTTTAAAGAACTGAAGAGACTGCTGATTCCCTGGA-3'
Protein context (NP_647479.2, residues 323-343): LKVVRLLRLG[Arg333His]VARKLDHYLE